The following is an entry in ClinVar:

NM_001277115.2(DNAH11):c.12749A>C (p.Lys4250Thr)

Gene: DNAH11 (dynein axonemal heavy chain 11; plus strand). Cytogenetic location: 7p15.3.
Variant type: single nucleotide variant.
Coding change: c.12749A>C on transcript NM_001277115.2 (MANE Select); coding-DNA position 12749, A replaced by C.
Protein change: p.Lys4250Thr; replaces lysine 4250 with threonine.
Molecular consequence: missense variant.
Genome position (GRCh38, 1-based): chr7:21,892,666, A>C. VCF-style: chr7-21892666-A-C. GRCh37 (hg19) VCF-style: chr7-21932284-A-C.
Other names: short protein forms K4250T.
Identifiers: ClinVar variation 3272610 (VCV003272610.1).

ClinVar aggregate classification (germline): Uncertain significance (1 of 4 stars; one submission).

Conditions:
Primary ciliary dyskinesia. Also called: Ciliary dyskinesia. Identifiers: Orphanet 244, MedGen C0008780, MONDO:0016575, HP:0012265.

gnomAD v4.1: 5 of 1,592,078 alleles (0.00031%); highest among the groups gnomAD compares: Admixed American, 0.0018%; no homozygotes.

Submission:

Ambry Genetics
Classification: Uncertain significance for Primary ciliary dyskinesia. Last evaluated: 2024-05-30. Review status: criteria provided, single submitter. Criteria: Ambry Variant Classification Scheme 2023. Collection method: clinical testing. Allele origin: germline.
Comment: The p.K4250T variant (also known as c.12749A>C), located in coding exon 77 of the DNAH11 gene, results from an A to C substitution at nucleotide position 12749. The lysine at codon 4250 is replaced by threonine, an amino acid with similar properties. This amino acid position is conserved. In addition, this alteration is predicted to be tolerated by in silico analysis. Based on the available evidence, the clinical significance of this variant remains unclear.